The following is an entry in ClinVar:

ClinVar aggregate classification (germline): Likely benign (1 of 4 stars; one submission).

Conditions:
Hereditary breast ovarian cancer syndrome. Also called: Hereditary breast and ovarian cancer; Hereditary breast and ovarian cancer syndrome (HBOC); Breast and ovarian cancer; Hereditary breast and/or ovarian cancer syndrome; BRCA1- and BRCA2-Associated Hereditary Breast and Ovarian Cancer; Hereditary breast and ovarian cancer syndrome. Identifiers: Orphanet 145, MedGen C0677776, MeSH D061325, MONDO:0003582. Disease mechanism: loss of function.

Submissions (2):

Labcorp Genetics (formerly Invitae), Labcorp
Classification: Likely benign for Hereditary breast ovarian cancer syndrome. Last evaluated: 2019-08-27. Review status: criteria provided, single submitter. Criteria: Invitae Variant Classification Sherloc (09022015). Collection method: clinical testing. Allele origin: germline.

Brotman Baty Institute, University of Washington
No classification provided (evidence only). Condition: Breast-ovarian cancer, familial 1. Review status: no classification provided. Collection method: in vitro. Allele origin: not applicable. Functional consequence: functionally_normal. Not counted in ClinVar's aggregate classification.
ClinVar note: "not provided" was previously submitted as the classification for the variant. However, the classification appeared to be based only on an observation of functional data so it was converted to no classification on 2025-07-30.

NM_007294.4(BRCA1):c.5467+17T>G

Gene: BRCA1 (BRCA1 DNA repair associated; minus strand). Cytogenetic location: 17q21.31.
Variant type: single nucleotide variant.
Coding change: c.5467+17T>G on transcript NM_007294.4 (MANE Select); 17 bases into the intron after coding-DNA position 5467, T replaced by G.
Molecular consequence: intron variant.
Genome position (GRCh38, 1-based): chr17:43,047,626, A>C on the plus strand (T>G on the coding strand, the complement: BRCA1 is on the minus strand). VCF-style: chr17-43047626-A-C. GRCh37 (hg19) VCF-style: chr17-41199643-A-C.
Other names: c.2014+17T>G (NM_001408458.1, NM_001408461.1, NM_001408464.1 and 7 more transcripts); c.4576+17T>G (NM_001407967.1); c.5086+17T>G (NM_001407959.1); c.5200+17T>G (NM_001407931.1, NM_001407932.1, NM_001407928.1 and 4 more transcripts); c.5323+17T>G (NM_001407747.1, NM_001407745.1, NM_001407737.1 and 18 more transcripts); c.5083+17T>G (NM_001407962.1, NM_001407960.1); c.1654+17T>G (NM_001408512.1); c.1777+17T>G (NM_001408510.1); and 83 more.
Identifiers: ClinVar variation 867552 (VCV000867552.12), dbSNP rs1267019068, ClinGen allele CA916080742.